The following is an entry in ClinVar:

NM_022455.5(NSD1):c.2564C>T (p.Ala855Val)

Gene: NSD1 (nuclear receptor binding SET domain protein 1; plus strand). Cytogenetic location: 5q35.3.
Variant type: single nucleotide variant.
Coding change: c.2564C>T on transcript NM_022455.5 (MANE Select); coding-DNA position 2564, C replaced by T.
Protein change: p.Ala855Val; replaces alanine 855 with valine.
Molecular consequence: missense variant.
Genome position (GRCh38, 1-based): chr5:177,210,963, C>T. VCF-style: chr5-177210963-C-T. GRCh37 (hg19) VCF-style: chr5-176637964-C-T.
Other names: c.1691C>T, p.Ala564Val (NM_001365684.2, NM_001409306.1, NM_001409307.1 and 3 more transcripts); c.2564C>T, p.Ala855Val (NM_001409301.1, NM_001409302.1, NM_001409303.1); c.2144C>T, p.Ala715Val (NM_001409304.1); c.1811C>T, p.Ala604Val (NM_001409305.1); short protein forms A855V, A586V, A564V, A604V, A715V.
Identifiers: ClinVar variation 1416019 (VCV001416019.6), dbSNP rs2149845759, ClinGen allele CA362318798.
Genomic context (GRCh38, chr5:177,210,963, plus strand): 5'-GTCTAAAACTACTGAACAATATGCATGAGAAAACCAGGGATTCAAGTGACATAGAAACAG[C>T]AGTGGTGAAACATGTTTTATCCGAGTTGAAGGAACTCTCTTACAGATCCTTAGGTGAGGA-3'
Protein context (NP_071900.2, residues 845-865): KTRDSSDIET[Ala855Val]VVKHVLSELK

ClinVar aggregate classification (germline): Uncertain significance (1 of 4 stars; one submission).

gnomAD v4.1: 1 of 1,614,136 alleles (0.000062%); highest among the groups gnomAD compares: Non-Finnish European, 0.000085%; no homozygotes.

Submission:

Labcorp Genetics (formerly Invitae), Labcorp
Classification: Uncertain significance. Last evaluated: 2022-07-12. Review status: criteria provided, single submitter. Criteria: Invitae Variant Classification Sherloc (09022015). Collection method: clinical testing. Allele origin: germline.
Comment: In summary, the available evidence is currently insufficient to determine the role of this variant in disease. Therefore, it has been classified as a Variant of Uncertain Significance. Advanced modeling of protein sequence and biophysical properties (such as structural, functional, and spatial information, amino acid conservation, physicochemical variation, residue mobility, and thermodynamic stability) performed at Invitae indicates that this missense variant is not expected to disrupt NSD1 protein function. ClinVar contains an entry for this variant (Variation ID: 1416019). This variant has not been reported in the literature in individuals affected with NSD1-related conditions. This variant is not present in population databases (gnomAD no frequency). This sequence change replaces alanine, which is neutral and non-polar, with valine, which is neutral and non-polar, at codon 855 of the NSD1 protein (p.Ala855Val).